The following is an entry in ClinVar:

NR_199791.1(RNU2-2):n.188C>G

Genes: RNU2-2 (RNA, U2 small nuclear 2; minus strand), WDR74 (WD repeat domain 74; minus strand). Cytogenetic location: 11q12.3.
Variant type: single nucleotide variant.
Molecular consequence: non-coding transcript variant (on NR_199791.1). On other transcripts: 5 prime UTR variant (1).
Genome position: GRCh38 VCF-style: chr11-62841622-G-C. GRCh37 (hg19) VCF-style: chr11-62609094-G-C.
Other names: c.-351C>G (NM_001369451.1).
Identifiers: ClinVar variation 4540549 (VCV004540549.1).

ClinVar aggregate classification (germline): Uncertain significance (1 of 4 stars; one submission).

Submission:

Institute for Human Genetics, University Hospital Essen
Classification: Uncertain significance. Last evaluated: 2025-11-27. Review status: criteria provided, single submitter. Criteria: Submitter's publication. Collection method: clinical testing. Allele origin: inherited. Inheritance: Autosomal unknown. Affected: yes. Observed: 1 variant allele, 1 compound heterozygote.
Comment: PM3 (criteria rationale detailed in Leitão et al. Nature Genetics 2026)